The following is an entry in ClinVar:

NM_001034853.2(RPGR):c.46A>C (p.Thr16Pro)

Gene: RPGR (retinitis pigmentosa GTPase regulator; minus strand). Cytogenetic location: Xp11.4.
Variant type: single nucleotide variant.
Coding change: c.46A>C on transcript NM_001034853.2 (MANE Select); coding-DNA position 46, A replaced by C.
Protein change: p.Thr16Pro; replaces threonine 16 with proline.
Molecular consequence: missense variant. On other transcripts: non-coding transcript variant (6).
Genome position (GRCh38, 1-based): chrX:38,323,507, T>G on the plus strand (A>C on the coding strand, the complement: RPGR is on the minus strand). VCF-style: chrX-38323507-T-G. GRCh37 (hg19) VCF-style: chrX-38182760-T-G.
Other names: c.46A>C, p.Thr16Pro (NM_000328.3, NM_001367245.1, NM_001367246.1 and 4 more transcripts); c.76A>C, p.Thr26Pro (NM_001367248.1); short protein forms T16P, T26P.
Identifiers: ClinVar variation 4746367 (VCV004746367.1).
Genomic context (GRCh38, chrX:38,323,507, plus strand): 5'-CATCATTTTTAAACCAGAATTTACCGGGATTATTTTCAGCAAATTTACTTTTCCCAAATG[T>G]AAACACAGCACCCGAATCTGCAAATATAAGACGGTCTTTATTTTATAACTTTTACTATGT-3'
Protein context (NP_001030025.1, residues 6-26): ELMPDSGAVF[Thr16Pro]FGKSKFAENN

ClinVar aggregate classification (germline): Uncertain significance (1 of 4 stars; one submission).

Conditions:
Primary ciliary dyskinesia. Also called: Ciliary dyskinesia. Identifiers: Orphanet 244, MedGen C0008780, MONDO:0016575, HP:0012265.

Submission:

Labcorp Genetics (formerly Invitae), Labcorp
Classification: Uncertain significance for Primary ciliary dyskinesia. Last evaluated: 2025-12-17. Review status: criteria provided, single submitter. Criteria: Invitae Variant Classification Sherloc (09022015). Collection method: clinical testing. Allele origin: germline.
Comment: This sequence change replaces threonine, which is neutral and polar, with proline, which is neutral and non-polar, at codon 16 of the RPGR protein (p.Thr16Pro). This variant is not present in population databases (gnomAD no frequency). This variant has not been reported in the literature in individuals affected with RPGR-related conditions. Invitae Evidence Modeling of protein sequence and biophysical properties (such as structural, functional, and spatial information, amino acid conservation, physicochemical variation, residue mobility, and thermodynamic stability) indicates that this missense variant is expected to disrupt RPGR protein function with a positive predictive value of 95%. In summary, the available evidence is currently insufficient to determine the role of this variant in disease. Therefore, it has been classified as a Variant of Uncertain Significance.